The following is an entry in ClinVar:

NM_015271.5(TRIM2):c.1330T>C (p.Phe444Leu)

Gene: TRIM2 (tripartite motif containing 2; plus strand). Cytogenetic location: 4q31.3.
Variant type: single nucleotide variant.
Coding change: c.1330T>C on transcript NM_015271.5 (MANE Select); coding-DNA position 1330, T replaced by C.
Protein change: p.Phe444Leu; replaces phenylalanine 444 with leucine.
Molecular consequence: missense variant.
Genome position (GRCh38, 1-based): chr4:153,295,856, T>C. VCF-style: chr4-153295856-T-C. GRCh37 (hg19) VCF-style: chr4-154217008-T-C.
Other names: c.1249T>C, p.Phe417Leu (NM_001130067.2, NM_001351056.2); c.1303T>C, p.Phe435Leu (NM_001351054.2); c.1300T>C, p.Phe434Leu (NM_001351055.2); c.874T>C, p.Phe292Leu (NM_001351057.2); short protein forms F292L, F434L, F417L, F435L, F444L.
Identifiers: ClinVar variation 655077 (VCV000655077.8), dbSNP rs1579436975, ClinGen allele CA358473483.

ClinVar aggregate classification (germline): Uncertain significance (1 of 4 stars; one submission).

Conditions:
Charcot-Marie-Tooth disease type 2R. Also called: Charcot-Marie-Tooth disease, axonal, type 2R; CHARCOT-MARIE-TOOTH DISEASE, AXONAL, AUTOSOMAL RECESSIVE, TYPE 2R; CHARCOT-MARIE-TOOTH NEUROPATHY, TYPE 2R. Identifiers: Orphanet 397968, MedGen C3809655, MONDO:0014208, OMIM 615490.

Submission:

Labcorp Genetics (formerly Invitae), Labcorp
Classification: Uncertain significance for Charcot-Marie-Tooth disease type 2R. Last evaluated: 2018-10-14. Review status: criteria provided, single submitter. Criteria: Invitae Variant Classification Sherloc (09022015). Collection method: clinical testing. Allele origin: germline.
Comment: This sequence change replaces phenylalanine with leucine at codon 417 of the TRIM2 protein (p.Phe417Leu). The phenylalanine residue is highly conserved and there is a small physicochemical difference between phenylalanine and leucine. This variant is not present in population databases (ExAC no frequency). This variant has not been reported in the literature in individuals with TRIM2-related disease. In summary, the available evidence is currently insufficient to determine the role of this variant in disease. Therefore, it has been classified as a Variant of Uncertain Significance. Algorithms developed to predict the effect of missense changes on protein structure and function are either unavailable or do not agree on the potential impact of this missense change (SIFT: "Deleterious"; PolyPhen-2: "Possibly Damaging"; Align-GVGD: "Class C0").